The following is an entry in ClinVar:

ClinVar aggregate classification (germline): Conflicting classifications of pathogenicity. Review status: criteria provided, conflicting classifications (1 of 4 stars). 2 submissions from 2 submitters: Uncertain significance (1); Likely benign (1). Last evaluated 2022-02-01.

Conditions:
Hereditary cancer-predisposing syndrome. Also called: Tumor predisposition; Hereditary Cancer Syndrome; Neoplastic Syndromes, Hereditary; Hereditary neoplastic syndrome. Identifiers: Orphanet 140162, MedGen C0027672, MeSH D009386, MONDO:0015356.

Submissions (2):

Labcorp Genetics (formerly Invitae), Labcorp
Classification: Uncertain significance. Last evaluated: 2022-02-01. Review status: criteria provided, single submitter. Criteria: Invitae Variant Classification Sherloc (09022015). Collection method: clinical testing. Allele origin: germline.
Comment: This sequence change replaces aspartic acid, which is acidic and polar, with asparagine, which is neutral and polar, at codon 883 of the MSH3 protein (p.Asp883Asn). This variant is not present in population databases (gnomAD no frequency). This variant has not been reported in the literature in individuals affected with MSH3-related conditions. ClinVar contains an entry for this variant (Variation ID: 821627). Algorithms developed to predict the effect of missense changes on protein structure and function output the following: SIFT: "Tolerated"; PolyPhen-2: "Benign"; Align-GVGD: "Class C0". The asparagine amino acid residue is found in multiple mammalian species, which suggests that this missense change does not adversely affect protein function. In summary, the available evidence is currently insufficient to determine the role of this variant in disease. Therefore, it has been classified as a Variant of Uncertain Significance.

Ambry Genetics
Classification: Likely benign for Hereditary cancer-predisposing syndrome. Last evaluated: 2019-05-06. Review status: criteria provided, single submitter. Criteria: Ambry Variant Classification Scheme 2023. Collection method: clinical testing. Allele origin: germline.

NM_002439.5(MSH3):c.2647G>A (p.Asp883Asn)

Gene: MSH3 (mutS homolog 3; plus strand). Cytogenetic location: 5q14.1.
Variant type: single nucleotide variant.
Coding change: c.2647G>A on transcript NM_002439.5 (MANE Select); coding-DNA position 2647, G replaced by A.
Protein change: p.Asp883Asn; replaces aspartic acid 883 with asparagine.
Molecular consequence: missense variant.
Genome position (GRCh38, 1-based): chr5:80,792,836, G>A. VCF-style: chr5-80792836-G-A. GRCh37 (hg19) VCF-style: chr5-80088655-G-A.
Other names: short protein forms D883N.
Identifiers: ClinVar variation 821627 (VCV000821627.9), dbSNP rs896080306, ClinGen allele CA360273053.